The following is an entry in ClinVar:

ClinVar aggregate classification (germline): Uncertain significance (1 of 4 stars; one submission).

gnomAD v4.1: 22 of 1,613,724 alleles (0.0014%); highest among the groups gnomAD compares: Admixed American, 0.013%; no homozygotes.

Submission:

Mayo Clinic Laboratories, Mayo Clinic
Classification: Uncertain significance. Last evaluated: 2025-03-06. Review status: criteria provided, single submitter. Criteria: ACMG Guidelines, 2015. Collection method: clinical testing. Allele origin: germline. Observed: 1 variant allele.
Comment: BP4_moderate, PM2_supporting

NM_014994.3(MAPKBP1):c.3233C>T (p.Ala1078Val)

Gene: MAPKBP1 (mitogen-activated protein kinase binding protein 1; plus strand). Cytogenetic location: 15q15.1.
Variant type: single nucleotide variant.
Coding change: c.3233C>T on transcript NM_014994.3 (MANE Select); coding-DNA position 3233, C replaced by T.
Protein change: p.Ala1078Val; replaces alanine 1078 with valine.
Molecular consequence: missense variant. On other transcripts: non-coding transcript variant (2).
Genome position (GRCh38, 1-based): chr15:41,822,596, C>T. VCF-style: chr15-41822596-C-T. GRCh37 (hg19) VCF-style: chr15-42114794-C-T.
Other names: p.Ala1084Val; c.3251C>T, p.Ala1084Val (NM_001128608.2); c.3233C>T, p.Ala1078Val (NM_001265611.2); short protein forms A1078V, A1084V.
Identifiers: ClinVar variation 4541920 (VCV004541920.1).